The following is an entry in ClinVar:

NM_002772.3(TMPRSS15):c.1780G>A (p.Ala594Thr)

Gene: TMPRSS15 (transmembrane serine protease 15; minus strand). Cytogenetic location: 21q21.1.
Variant type: single nucleotide variant.
Coding change: c.1780G>A on transcript NM_002772.3 (MANE Select); coding-DNA position 1780, G replaced by A.
Protein change: p.Ala594Thr; replaces alanine 594 with threonine.
Molecular consequence: missense variant.
Genome position (GRCh38, 1-based): chr21:18,329,169, C>T on the plus strand (G>A on the coding strand, the complement: TMPRSS15 is on the minus strand). VCF-style: chr21-18329169-C-T. GRCh37 (hg19) VCF-style: chr21-19701486-C-T.
Other names: short protein forms A594T.
Identifiers: ClinVar variation 2182017 (VCV002182017.4), dbSNP rs754255036, ClinGen allele CA318118550.

ClinVar aggregate classification (germline): Uncertain significance (1 of 4 stars; one submission).

Allele frequency attached by ClinVar (database versions not stated): TOPMed below 0.00001; gnomAD exomes 0.00002.
gnomAD v4.1: 25 of 1,612,400 alleles (0.0016%); highest among the groups gnomAD compares: Non-Finnish European, 0.002%; no homozygotes.

Submission:

Labcorp Genetics (formerly Invitae), Labcorp
Classification: Uncertain significance. Last evaluated: 2025-11-17. Review status: criteria provided, single submitter. Criteria: Invitae Variant Classification Sherloc (09022015). Collection method: clinical testing. Allele origin: germline.
Comment: This sequence change replaces alanine, which is neutral and non-polar, with threonine, which is neutral and polar, at codon 594 of the TMPRSS15 protein (p.Ala594Thr). This variant also falls at the last nucleotide of exon 15, which is part of the consensus splice site for this exon. This variant is not present in population databases (gnomAD no frequency). This variant has not been reported in the literature in individuals affected with TMPRSS15-related conditions. ClinVar contains an entry for this variant (Variation ID: 2182017). An algorithm developed to predict the effect of missense changes on protein structure and function outputs the following: PolyPhen-2: "Benign". The threonine amino acid residue is found in multiple mammalian species, which suggests that this missense change does not adversely affect protein function. Variants that disrupt the consensus splice site are a relatively common cause of aberrant splicing (PMID: 17576681, 9536098). In summary, the available evidence is currently insufficient to determine the role of this variant in disease. Therefore, it has been classified as a Variant of Uncertain Significance.

Literature cited by the submitters: PubMed 17576681; PubMed 9536098.